The following is an entry in ClinVar:

ClinVar aggregate classification (germline): Likely pathogenic. Review status: criteria provided, single submitter (1 of 4 stars). 2 submissions from 2 submitters: Likely pathogenic (1). 1 of the submissions does not count toward it. Last evaluated 2023-09-09.

Conditions:
Spermatogenic failure 18. Identifiers: MedGen C4539783, MONDO:0054615, OMIM 617576.
Ciliary dyskinesia, primary, 37 (CILD37). Also called: CILIARY DYSKINESIA, PRIMARY, 37, WITH OR WITHOUT SITUS INVERSUS. Identifiers: MedGen C4539798, MONDO:0033204, OMIM 617577.
DNAH1-related disorder. Also called: DNAH1-related condition.

Allele frequency attached by ClinVar (database versions not stated): gnomAD 0.00001; gnomAD exomes 0.00001.
gnomAD v4.1: 5 of 1,611,734 alleles (0.00031%); highest among the groups gnomAD compares: Non-Finnish European, 0.00042%; no homozygotes.

Submissions (2):

Labcorp Genetics (formerly Invitae), Labcorp
Classification: Likely pathogenic for Ciliary dyskinesia, primary, 37; Spermatogenic failure 18. Last evaluated: 2023-09-09. Review status: criteria provided, single submitter. Criteria: Invitae Variant Classification Sherloc (09022015). Collection method: clinical testing. Allele origin: germline.
Comment: In summary, the currently available evidence indicates that the variant is pathogenic, but additional data are needed to prove that conclusively. Therefore, this variant has been classified as Likely Pathogenic. Algorithms developed to predict the effect of sequence changes on RNA splicing suggest that this variant may disrupt the consensus splice site. This variant has not been reported in the literature in individuals affected with DNAH1-related conditions. The frequency data for this variant in the population databases is considered unreliable, as metrics indicate poor data quality at this position in the gnomAD database. This sequence change affects a donor splice site in intron 8 of the DNAH1 gene. It is expected to disrupt RNA splicing. Variants that disrupt the donor or acceptor splice site typically lead to a loss of protein function (PMID: 16199547), and loss-of-function variants in DNAH1 are known to be pathogenic (PMID: 27573432, 27798045).

PreventionGenetics, part of Exact Sciences
Classification: Likely pathogenic for DNAH1-related condition. Last evaluated: 2024-02-14. Review status: no assertion criteria provided. Collection method: clinical testing. Allele origin: germline. Not counted in ClinVar's aggregate classification.
Comment: The DNAH1 c.1286+1G>A variant is predicted to disrupt the GT donor site and interfere with normal splicing. To our knowledge, this variant has not been reported in the literature. This variant is reported in 0.0016% of alleles in individuals of European (Non-Finnish) descent in gnomAD. Variants that disrupt the consensus splice donor site in DNAH1 are expected to be pathogenic. This variant is interpreted as likely pathogenic.

Literature cited by the submitters: PubMed 16199547 (cited by Labcorp Genetics (formerly Invitae), Labcorp); PubMed 27573432 (cited by Labcorp Genetics (formerly Invitae), Labcorp); PubMed 27798045 (cited by Labcorp Genetics (formerly Invitae), Labcorp).

NM_015512.5(DNAH1):c.1286+1G>A

Gene: DNAH1 (dynein axonemal heavy chain 1; plus strand). Cytogenetic location: 3p21.1.
Variant type: single nucleotide variant.
Coding change: c.1286+1G>A on transcript NM_015512.5 (MANE Select); the canonical splice donor site of the intron after coding-DNA position 1286, G replaced by A.
Molecular consequence: splice donor variant.
Genome position (GRCh38, 1-based): chr3:52,332,395, G>A. VCF-style: chr3-52332395-G-A. GRCh37 (hg19) VCF-style: chr3-52366411-G-A.
Other names: c.1286+1G>A (NM_015512.4).
Identifiers: ClinVar variation 2927760 (VCV002927760.5), dbSNP rs1483082477, ClinGen allele CA353082690.